The following is an entry in ClinVar:

ClinVar aggregate classification (germline): Uncertain significance (1 of 4 stars; one submission).

Conditions:
Cryptosporidiosis-chronic cholangitis-liver disease syndrome. Also called: Immunodeficiency type 56; IL21R immunodeficiency. Identifiers: Orphanet 357329, MedGen C3554687, MONDO:0014082, OMIM 615207.

Submission:

Labcorp Genetics (formerly Invitae), Labcorp
Classification: Uncertain significance for Cryptosporidiosis-chronic cholangitis-liver disease syndrome. Last evaluated: 2022-07-30. Review status: criteria provided, single submitter. Criteria: Invitae Variant Classification Sherloc (09022015). Collection method: clinical testing. Allele origin: germline.
Comment: In summary, the available evidence is currently insufficient to determine the role of this variant in disease. Therefore, it has been classified as a Variant of Uncertain Significance. Algorithms developed to predict the effect of missense changes on protein structure and function are either unavailable or do not agree on the potential impact of this missense change (SIFT: "Tolerated"; PolyPhen-2: "Possibly Damaging"; Align-GVGD: "Class C0"). This variant has not been reported in the literature in individuals affected with IL21R-related conditions. This variant is not present in population databases (gnomAD no frequency). This sequence change replaces aspartic acid, which is acidic and polar, with histidine, which is basic and polar, at codon 455 of the IL21R protein (p.Asp455His).

NM_181078.3(IL21R):c.1363G>C (p.Asp455His)

Genes: IL21R (interleukin 21 receptor; plus strand), IL21R-AS1 (IL21R antisense RNA 1; minus strand), LOC130058713 (ATAC-STARR-seq lymphoblastoid active region 10627; plus strand). Cytogenetic location: 16p12.1.
Variant type: single nucleotide variant.
Coding change: c.1363G>C on transcript NM_181078.3 (MANE Select); coding-DNA position 1363, G replaced by C.
Protein change: p.Asp455His; replaces aspartic acid 455 with histidine.
Molecular consequence: missense variant. On other transcripts: non-coding transcript variant (1).
Genome position (GRCh38, 1-based): chr16:27,449,029, G>C. VCF-style: chr16-27449029-G-C. GRCh37 (hg19) VCF-style: chr16-27460350-G-C.
Other names: c.1363G>C, p.Asp455His (NM_021798.4); c.1429G>C, p.Asp477His (NM_181079.5); short protein forms D455H, D477H.
Identifiers: ClinVar variation 1714479 (VCV001714479.6), dbSNP rs2087539041, ClinGen allele CA395308540.